The following is an entry in ClinVar:

NM_001172509.2(SATB2):c.365G>C (p.Arg122Thr)

Gene: SATB2 (SATB homeobox 2; minus strand). Cytogenetic location: 2q33.1.
Variant type: single nucleotide variant.
Coding change: c.365G>C on transcript NM_001172509.2 (MANE Select); coding-DNA position 365, G replaced by C.
Protein change: p.Arg122Thr; replaces arginine 122 with threonine.
Molecular consequence: missense variant.
Genome position (GRCh38, 1-based): chr2:199,381,802, C>G on the plus strand (G>C on the coding strand, the complement: SATB2 is on the minus strand). VCF-style: chr2-199381802-C-G. GRCh37 (hg19) VCF-style: chr2-200246525-C-G.
Other names: c.365G>C, p.Arg122Thr (NM_001172517.1, NM_015265.4); short protein forms R122T.
Identifiers: ClinVar variation 1389215 (VCV001389215.6), dbSNP rs1182083147, ClinGen allele CA350389267.

ClinVar aggregate classification (germline): Uncertain significance (1 of 4 stars; one submission).

Conditions:
Chromosome 2q32-q33 deletion syndrome (GLASS). Also called: Glass syndrome; 2q33.1 deletion syndrome. Identifiers: Orphanet 251019, MedGen C2676739, MONDO:0012864, OMIM 612313.

Allele frequency attached by ClinVar (database versions not stated): gnomAD exomes below 0.00001.

Submission:

Labcorp Genetics (formerly Invitae), Labcorp
Classification: Uncertain significance for Chromosome 2q32-q33 deletion syndrome. Last evaluated: 2026-01-12. Review status: criteria provided, single submitter. Criteria: Invitae Variant Classification Sherloc (09022015). Collection method: clinical testing. Allele origin: germline.
Comment: This sequence change replaces arginine, which is basic and polar, with threonine, which is neutral and polar, at codon 122 of the SATB2 protein (p.Arg122Thr). This variant is present in population databases (no rsID available, gnomAD 0.006%). This variant has not been reported in the literature in individuals affected with SATB2-related conditions. ClinVar contains an entry for this variant (Variation ID: 1389215). Invitae Evidence Modeling of protein sequence and biophysical properties (such as structural, functional, and spatial information, amino acid conservation, physicochemical variation, residue mobility, and thermodynamic stability) has been performed for this missense variant. However, the output from this modeling did not meet the statistical confidence thresholds required to predict the impact of this variant on SATB2 protein function. In summary, the available evidence is currently insufficient to determine the role of this variant in disease. Therefore, it has been classified as a Variant of Uncertain Significance.